The following is an entry in ClinVar:

NM_001038.6(SCNN1A):c.1522C>T (p.Arg508Ter)

Gene: SCNN1A (sodium channel epithelial 1 subunit alpha; minus strand). Cytogenetic location: 12p13.31.
Variant type: single nucleotide variant.
Coding change: c.1522C>T on transcript NM_001038.6 (MANE Select); coding-DNA position 1522, C replaced by T.
Protein change: p.Arg508Ter; replaces arginine 508 with a stop codon.
Molecular consequence: nonsense.
Genome position (GRCh38, 1-based): chr12:6,348,981, G>A on the plus strand (C>T on the coding strand, the complement: SCNN1A is on the minus strand). VCF-style: chr12-6348981-G-A. GRCh37 (hg19) VCF-style: chr12-6458147-G-A.
Other names: c.1591C>T, p.Arg531Ter (NM_001159575.2); c.1699C>T, p.Arg567Ter (NM_001159576.2); short protein forms R508*, R567*, R531*.
Identifiers: ClinVar variation 9264 (VCV000009264.11), dbSNP rs137852634, ClinGen allele CA120270.

ClinVar aggregate classification (germline): Pathogenic/Likely pathogenic. Review status: criteria provided, multiple submitters, no conflicts (2 of 4 stars). 7 submissions from 7 submitters: Pathogenic (4); Likely pathogenic (1). 2 of the submissions do not count toward it. Last evaluated 2026-06-25.

Conditions:
Bronchiectasis with or without elevated sweat chloride 2 (BESC2). Identifiers: Orphanet 60033, MedGen C2751666, MONDO:0013087, OMIM 613021.
Pseudohypoaldosteronism, type IB1, autosomal recessive. Also called: Autosomal recessive pseudohypoaldosteronism type 1; Pseudohypoaldosteronism, Type I, Autosomal Recessive; Pseudohypoaldosteronism, Type I, Recessive; PHA I, AUTOSOMAL RECESSIVE. Identifiers: Orphanet 171876, Orphanet 756, MedGen C5774176, MONDO:0009917, OMIM 264350.
Liddle syndrome 3. Identifiers: MedGen C4748292, MONDO:0029132, OMIM 618126.
Renal tubulopathies.
SCNN1A-related disorder. Also called: SCNN1A-related condition; SCNN1A-related disorders.

Allele frequency attached by ClinVar (database versions not stated): TOPMed 0.00002; 1000 Genomes Project 30x 0.00016; 1000 Genomes Project 0.00020.
gnomAD v4.1: 19 of 1,613,972 alleles (0.0012%); highest among the groups gnomAD compares: South Asian, 0.0033%; no homozygotes.

Submissions (7):

Genetics Laboratory, Great Ormond Street Hospital NHS Foundation Trust, North Thames Genomic Laboratory Hub
Classification: Pathogenic for Renal tubulopathies. Last evaluated: 2026-06-25. Review status: criteria provided, single submitter. Criteria: ACGS Best Practice Guidelines for Variant Classification in Rare Disease 2024 v1.2. Collection method: clinical testing. Allele origin: germline. Affected: yes.
Comment: PM2_moderate, PVS1_very-strong, PS3_supporting, PM3_moderate

Labcorp Genetics (formerly Invitae), Labcorp
Classification: Pathogenic. Last evaluated: 2025-12-29. Review status: criteria provided, single submitter. Criteria: Invitae Variant Classification Sherloc (09022015). Collection method: clinical testing. Allele origin: germline.
Comment: This sequence change creates a premature translational stop signal (p.Arg508*) in the SCNN1A gene. It is expected to result in an absent or disrupted protein product. Loss-of-function variants in SCNN1A are known to be pathogenic (PMID: 10403853, 23416952). This variant is present in population databases (rs137852634, gnomAD 0.005%). This premature translational stop signal has been observed in individual(s) with pseudohypoaldosteronism (PMID: 8589714). ClinVar contains an entry for this variant (Variation ID: 9264). For these reasons, this variant has been classified as Pathogenic.

Blueprint Genetics
Classification: Pathogenic for SCNN1A-related disorders. Last evaluated: 2024-10-14. Review status: criteria provided, single submitter. Criteria: ACMG Guidelines, 2015. Collection method: clinical testing. Allele origin: germline. Affected: yes. Observed: 4 variant alleles.

Dasa
Classification: Pathogenic for Bronchiectasis with or without elevated sweat chloride 2. Last evaluated: 2022-11-03. Review status: criteria provided, single submitter. Criteria: ACMG Guidelines, 2015. Collection method: clinical testing. Allele origin: germline. Observed: 1 variant allele.
Comment: The c.1522C>T;p.(Arg508*) variant creates a premature translational stop signal in the SCNN1A gene. It is expected to result in an absent or disrupted protein product - PVS1. This sequence change has been observed in affected individual(s) and ClinVar contains an entry for this variant (Clinvar ID:9264; PMID: 10510337) - PS4. The variant is present at low allele frequencies population databases (rs137852634 – gnomAD 0.0001768%; ABraOM no frequency) - PM2_supporting. In summary, the currently available evidence indicates that the variant is pathogenic.

Fulgent Genetics
Classification: Likely pathogenic for Pseudohypoaldosteronism, type IB1, autosomal recessive; Bronchiectasis with or without elevated sweat chloride 2; Liddle syndrome 3. Last evaluated: 2022-02-16. Review status: criteria provided, single submitter. Criteria: ACMG Guidelines, 2015. Collection method: clinical testing. Allele origin: unknown.

OMIM
Classification: Pathogenic for PSEUDOHYPOALDOSTERONISM, TYPE IB1, AUTOSOMAL RECESSIVE. Last evaluated: 1999-10-01. Review status: no assertion criteria provided. Collection method: literature only. Allele origin: germline. Not counted in ClinVar's aggregate classification.

Genomic Medicine Center of Excellence, King Faisal Specialist Hospital and Research Centre
Classification: Uncertain significance for Bronchiectasis with or without elevated sweat chloride 2. Last evaluated: 2024-12-19. Review status: flagged submission. Criteria: ACMG Guidelines, 2015. Collection method: clinical testing. Allele origin: germline. Not counted in ClinVar's aggregate classification.
ClinVar note: Reason: Outlier claim with insufficient supporting evidence

Literature cited by the submitters: PubMed 10403853 (cited by Labcorp Genetics (formerly Invitae), Labcorp); PubMed 23416952 (cited by Labcorp Genetics (formerly Invitae), Labcorp); PubMed 8589714 (cited by Labcorp Genetics (formerly Invitae), Labcorp); PubMed 10510337 (cited by Dasa); Chang, S. S., Grunder, S., Hanukoglu, A., Rosler, A., Mathew, P. M., Hanukoglu, I., Schild, L., Lu, Y., Shimkets, R. A., Nelson-Williams, C., Rossier, B. C., Lifton, R. P. Mutations in subunits of the epithelial sodium channel cause salt wasting with hyperkalaemic acidosis, pseudohypoaldosteronism type 1. Nature Genet. 12: 248-253, 1996. (cited by OMIM); Gopal-Kothandapani, J. S., Doshi, A. B., Smith, K., Christian, M., Mushtaq, T., Banerjee, I., Padidela, R., Ramakrishnan, R., Owen, C., Cheetham, T., Dimitri, P. Phenotypic diversity and correlation with the genotypes of pseudohypoaldosteronism type 1. J. Pediat. Endocr. Metab. 32: 959-967, 2019. (cited by OMIM); Bonny, O., Chraibi, A., Loffing, J., Jaeger, N. F., Grunder, S., Horisberger, J.-D., Rossier, B. C. Functional expression of a pseudohypoaldosteronism type I mutated epithelial Na(+) channel lacking the pore-forming region of its alpha subunit. J. Clin. Invest. 104: 967-974, 1999. (cited by OMIM).